The following is an entry in ClinVar:

ClinVar aggregate classification (germline): Likely benign (1 of 4 stars; one submission).

Allele frequency attached by ClinVar (database versions not stated): ExAC 0.00006; gnomAD 0.00013; ESP Exome Variant Server 0.00023; gnomAD exomes 0.00030.
gnomAD v4.1: 445 of 1,576,800 alleles (0.028%); highest among the groups gnomAD compares: Non-Finnish European, 0.036%; no homozygotes.

Submission:

CeGaT Center for Human Genetics Tuebingen
Classification: Likely benign. Last evaluated: 2023-04-01. Review status: criteria provided, single submitter. Criteria: CeGaT Center For Human Genetics Tuebingen Variant Classification Criteria Version 2. Collection method: clinical testing. Allele origin: germline. Affected: yes. Observed: 1 variant allele.
Comment: CUX1: BP4, BP7

NM_181552.4(CUX1):c.825C>T (p.Asp275=)

Gene: CUX1 (cut like homeobox 1; plus strand). Cytogenetic location: 7q22.1.
Variant type: single nucleotide variant.
Coding change: c.825C>T on transcript NM_181552.4 (MANE Select); coding-DNA position 825, C replaced by T.
Protein change: p.Asp275=; no amino-acid change (aspartic acid 275 retained).
Molecular consequence: synonymous variant.
Genome position (GRCh38, 1-based): chr7:102,170,547, C>T. VCF-style: chr7-102170547-C-T. GRCh37 (hg19) VCF-style: chr7-101813827-C-T.
Other names: c.858C>T, p.Asp286= (NM_001202543.2, NM_001913.5, NM_181500.4); c.810C>T, p.Asp270= (NM_001202544.3); c.720C>T, p.Asp240= (NM_001202545.3); c.747C>T, p.Asp249= (NM_001202546.3).
Identifiers: ClinVar variation 2571289 (VCV002571289.27), dbSNP rs143307709, ClinGen allele CA4410621.